The following is an entry in ClinVar:

ClinVar aggregate classification (germline): Uncertain significance (1 of 4 stars; one submission).

Conditions:
Bethlem myopathy 1A. Also called: Bethlem Muscular Dystrophy; Bethlem myopathy 1; MYOPATHY, BENIGN CONGENITAL, WITH CONTRACTURES. Identifiers: Orphanet 610, MedGen CN029274, MONDO:0024530, OMIM 158810.

Allele frequency attached by ClinVar (database versions not stated): gnomAD exomes below 0.00001; TOPMed below 0.00001; gnomAD 0.00001.
gnomAD v4.1: 6 of 1,606,776 alleles (0.00037%); highest among the groups gnomAD compares: Admixed American, 0.0033%; no homozygotes.

Submission:

Labcorp Genetics (formerly Invitae), Labcorp
Classification: Uncertain significance for Bethlem myopathy 1A. Last evaluated: 2025-03-31. Review status: criteria provided, single submitter. Criteria: Invitae Variant Classification Sherloc (09022015). Collection method: clinical testing. Allele origin: germline.
Comment: This sequence change replaces proline, which is neutral and non-polar, with serine, which is neutral and polar, at codon 809 of the COL6A2 protein (p.Pro809Ser). This variant is not present in population databases (gnomAD no frequency). This variant has not been reported in the literature in individuals affected with COL6A2-related conditions. ClinVar contains an entry for this variant (Variation ID: 650097). An algorithm developed to predict the effect of missense changes on protein structure and function (PolyPhen-2) suggests that this variant is likely to be disruptive. In summary, the available evidence is currently insufficient to determine the role of this variant in disease. Therefore, it has been classified as a Variant of Uncertain Significance.

NM_001849.4(COL6A2):c.2425C>T (p.Pro809Ser)

Gene: COL6A2 (collagen type VI alpha 2 chain; plus strand). Cytogenetic location: 21q22.3.
Variant type: single nucleotide variant.
Coding change: c.2425C>T on transcript NM_001849.4 (MANE Select); coding-DNA position 2425, C replaced by T.
Protein change: p.Pro809Ser; replaces proline 809 with serine.
Molecular consequence: missense variant.
Genome position (GRCh38, 1-based): chr21:46,126,505, C>T. VCF-style: chr21-46126505-C-T. GRCh37 (hg19) VCF-style: chr21-47546419-C-T.
Other names: c.2425C>T, p.Pro809Ser (NM_058174.3, NM_058175.3); short protein forms P809S.
Identifiers: ClinVar variation 650097 (VCV000650097.9), dbSNP rs1044778936, ClinGen allele CA321973108.
Genomic context (GRCh38, chr21:46,126,505, plus strand): 5'-GCTGAGGGTTCGCTAGGGACTGACCCTGGCCTGGCCCGGCCTCTCTCCTCTCTTCCAGAC[C>T]CTCAGATCGTGTGCCCAGACCTTCCCTGCCAAACAGGTAATGCAGGGCACCCTGAGCCAC-3'
Protein context (NP_001840.3, residues 799-819): DDMEDVLCPD[Pro809Ser]QIVCPDLPCQ